The following is an entry in ClinVar:

ClinVar aggregate classification (germline): Uncertain significance (1 of 4 stars; one submission).

Conditions:
Cenani-Lenz syndactyly syndrome. Also called: SYNDACTYLY, TYPE VII; CENANI SYNDACTYLISM. Identifiers: Orphanet 3258, MedGen C1859309, MONDO:0008931, OMIM 212780.
Sclerosteosis 2 (SOST2). Identifiers: Orphanet 3152, MedGen C3280402, MONDO:0013679, OMIM 614305.
Congenital myasthenic syndrome 17. Identifiers: Orphanet 590, MedGen C4225377, MONDO:0014578, OMIM 616304.

gnomAD v4.1: 1 of 1,603,344 alleles (0.000062%); no homozygotes.

Submission:

Labcorp Genetics (formerly Invitae), Labcorp
Classification: Uncertain significance for Cenani-Lenz syndactyly syndrome; Sclerosteosis 2; Congenital myasthenic syndrome 17. Last evaluated: 2021-07-26. Review status: criteria provided, single submitter. Criteria: Invitae Variant Classification Sherloc (09022015). Collection method: clinical testing. Allele origin: germline.
Comment: This variant has not been reported in the literature in individuals affected with LRP4-related conditions. This sequence change replaces threonine with isoleucine at codon 794 of the LRP4 protein (p.Thr794Ile). The threonine residue is highly conserved and there is a moderate physicochemical difference between threonine and isoleucine. This variant is not present in population databases (ExAC no frequency). Algorithms developed to predict the effect of missense changes on protein structure and function are either unavailable or do not agree on the potential impact of this missense change (SIFT: "Deleterious"; PolyPhen-2: "Possibly Damaging"; Align-GVGD: "Class C15"). In summary, the available evidence is currently insufficient to determine the role of this variant in disease. Therefore, it has been classified as a Variant of Uncertain Significance.

NM_002334.4(LRP4):c.2381C>T (p.Thr794Ile)

Gene: LRP4 (LDL receptor related protein 4; minus strand). Cytogenetic location: 11p11.2.
Variant type: single nucleotide variant.
Coding change: c.2381C>T on transcript NM_002334.4 (MANE Select); coding-DNA position 2381, C replaced by T.
Protein change: p.Thr794Ile; replaces threonine 794 with isoleucine.
Molecular consequence: missense variant.
Genome position (GRCh38, 1-based): chr11:46,886,368, G>A on the plus strand (C>T on the coding strand, the complement: LRP4 is on the minus strand). VCF-style: chr11-46886368-G-A. GRCh37 (hg19) VCF-style: chr11-46907919-G-A.
Other names: short protein forms T794I.
Identifiers: ClinVar variation 1358549 (VCV001358549.8), dbSNP rs2134828263, ClinGen allele CA380280484.